The following is an entry in ClinVar:

ClinVar aggregate classification (germline): Uncertain significance (1 of 4 stars; one submission).

Submission:

Labcorp Genetics (formerly Invitae), Labcorp
Classification: Uncertain significance. Last evaluated: 2022-04-19. Review status: criteria provided, single submitter. Criteria: Invitae Variant Classification Sherloc (09022015). Collection method: clinical testing. Allele origin: germline.
Comment: In summary, the available evidence is currently insufficient to determine the role of this variant in disease. Therefore, it has been classified as a Variant of Uncertain Significance. Algorithms developed to predict the effect of sequence changes on RNA splicing suggest that this variant may disrupt the consensus splice site. This variant has not been reported in the literature in individuals affected with NFKB1-related conditions. This variant is not present in population databases (gnomAD no frequency). This sequence change falls in intron 7 of the NFKB1 gene. It does not directly change the encoded amino acid sequence of the NFKB1 protein.

NM_003998.4(NFKB1):c.572-9T>G

Gene: NFKB1 (nuclear factor kappa B subunit 1; plus strand). Cytogenetic location: 4q24.
Variant type: single nucleotide variant.
Coding change: c.572-9T>G on transcript NM_003998.4 (MANE Select); 9 bases into the intron before coding-DNA position 572, T replaced by G.
Molecular consequence: intron variant.
Genome position (GRCh38, 1-based): chr4:102,578,872, T>G. VCF-style: chr4-102578872-T-G. GRCh37 (hg19) VCF-style: chr4-103500029-T-G.
Other names: c.572-9T>G (NM_001382626.1, NM_001382625.1); c.569-9T>G (NM_001382627.1, NM_001165412.2, NM_001319226.2); c.530-9T>G (NM_001382628.1).
Identifiers: ClinVar variation 2125239 (VCV002125239.4), dbSNP rs867010307, ClinGen allele CA357959447.